The following is an entry in ClinVar:

NM_001202.6(BMP4):c.729G>C (p.Gln243His)

Gene: BMP4 (bone morphogenetic protein 4; minus strand). Cytogenetic location: 14q22.2.
Variant type: single nucleotide variant.
Coding change: c.729G>C on transcript NM_001202.6 (MANE Select); coding-DNA position 729, G replaced by C.
Protein change: p.Gln243His; replaces glutamine 243 with histidine.
Molecular consequence: missense variant.
Genome position (GRCh38, 1-based): chr14:53,950,530, C>G on the plus strand (G>C on the coding strand, the complement: BMP4 is on the minus strand). VCF-style: chr14-53950530-C-G. GRCh37 (hg19) VCF-style: chr14-54417248-C-G.
Other names: c.870G>C, p.Gln290His (NM_001347912.1); c.540G>C, p.Gln180His (NM_001347913.2, NM_001347915.2, NM_001347917.1); c.729G>C, p.Gln243His (NM_001347914.2, NM_001347916.1, NM_130850.5 and 1 more transcripts); short protein forms Q180H, Q243H, Q290H.
Identifiers: ClinVar variation 3061441 (VCV003061441.2), dbSNP rs2502580652, ClinGen allele CA389784078.
Genomic context (GRCh38, chr14:53,950,530, plus strand): 5'-CCCACTCCCTTGAGGTAACGATCGGCTAATCCTGACATGCTGGCCCTGGTGGGTCCGAGT[C>G]TGATGGAGGTGAGTCACCTCAATGGCTAGCCCATAGTTTGGCTGCTTCTCCCGGGTCCAG-3'
Protein context (NP_001193.2, residues 233-253): GLAIEVTHLH[Gln243His]TRTHQGQHVR

ClinVar aggregate classification (germline): Uncertain significance (0 of 4 stars; one submission).

Conditions:
BMP4-related disorder. Also called: BMP4-related condition.

Allele frequency attached by ClinVar (database versions not stated): gnomAD exomes below 0.00001.
gnomAD v4.1: 1 of 1,614,246 alleles (0.000062%); highest among the groups gnomAD compares: Non-Finnish European, 0.000085%; no homozygotes.

Submission:

PreventionGenetics, part of Exact Sciences
Classification: Uncertain significance for BMP4-related condition. Last evaluated: 2024-02-14. Review status: no assertion criteria provided. Collection method: clinical testing. Allele origin: germline.
Comment: The BMP4 c.729G>C variant is predicted to result in the amino acid substitution p.Gln243His. To our knowledge, this variant has not been reported in the literature or in a large population database, indicating this variant is rare. At this time, the clinical significance of this variant is uncertain due to the absence of conclusive functional and genetic evidence.